The following is an entry in ClinVar:

NM_017636.4(TRPM4):c.2829_2843del (p.Tyr944_Thr948del)

Gene: TRPM4 (transient receptor potential cation channel subfamily M member 4; plus strand). Cytogenetic location: 19q13.33.
Variant type: Deletion.
Coding change: c.2829_2843del on transcript NM_017636.4 (MANE Select); coding-DNA positions 2829 to 2843, 15 bases deleted (CTATGGCGTGGCCAC).
Protein change: p.Tyr944_Thr948del.
Molecular consequence: inframe deletion.
Genome position (GRCh38, 1-based): chr19:49,200,661-49,200,675, CTATGGCGTGGCCAC deleted; deleting any 15 consecutive bases within chr19:49,200,660-49,200,675 gives the same sequence; the c. name uses the placement nearest the transcript's 3' end. VCF-style (leftmost placement, unchanged base first): chr19-49200659-GCCTATGGCGTGGCCA-G. GRCh37 (hg19) VCF-style: chr19-49703916-GCCTATGGCGTGGCCA-G.
Other names: c.2394_2408del, p.Tyr799_Thr803del (NM_001195227.2); c.2484_2498del, p.Tyr829_Thr833del (NM_001321281.2); c.1221_1235del, p.Tyr408_Thr412del (NM_001321282.2); c.2307_2321del, p.Tyr770_Thr774del (NM_001321283.2); c.1767_1781del, p.Tyr590_Thr594del (NM_001321285.2).
Identifiers: ClinVar variation 1796526 (VCV001796526.7), dbSNP rs1033425160, ClinGen allele CA309458453.

ClinVar aggregate classification (germline): Uncertain significance. Review status: criteria provided, multiple submitters, no conflicts (2 of 4 stars). 2 submissions from 2 submitters: Uncertain significance (2). Last evaluated 2025-01-17.

Conditions:
Progressive familial heart block type IB (PFHB1B). Identifiers: Orphanet 871, MedGen C1970298, MONDO:0011474, OMIM 604559.
Cardiovascular phenotype. Identifiers: MedGen CN230736.

Submissions (2):

Labcorp Genetics (formerly Invitae), Labcorp
Classification: Uncertain significance for Progressive familial heart block type IB. Last evaluated: 2025-01-17. Review status: criteria provided, single submitter. Criteria: Invitae Variant Classification Sherloc (09022015). Collection method: clinical testing. Allele origin: germline.
Comment: This variant, c.2829_2843del, results in the deletion of 5 amino acid(s) of the TRPM4 protein (p.Tyr944_Thr948del), but otherwise preserves the integrity of the reading frame. This variant is present in population databases (no rsID available, gnomAD 0.01%). This variant has not been reported in the literature in individuals affected with TRPM4-related conditions. ClinVar contains an entry for this variant (Variation ID: 1796526). Experimental studies and prediction algorithms are not available or were not evaluated, and the functional significance of this variant is currently unknown. In summary, the available evidence is currently insufficient to determine the role of this variant in disease. Therefore, it has been classified as a Variant of Uncertain Significance.

Ambry Genetics
Classification: Uncertain significance for Cardiovascular phenotype. Last evaluated: 2019-09-25. Review status: criteria provided, single submitter. Criteria: Ambry Variant Classification Scheme 2023. Collection method: clinical testing. Allele origin: germline.
Comment: The c.2829_2843del15 variant (also known as p.Y944_T948del) is located in coding exon 19 of the TRPM4 gene. This variant results from an in-frame CTATGGCGTGGCCAC deletion at nucleotide positions 2829 to 2843. This results in the deletion of five amino acids between codons 944 and 948. These amino acid positions are well conserved in available vertebrate species. In addition, this alteration is predicted to be deleterious by in silico analysis (Choi Y et al. PLoS ONE. 2012; 7(10):e46688). Since supporting evidence is limited at this time, the clinical significance of this alteration remains unclear.